The following is an entry in ClinVar:

ClinVar aggregate classification (germline): Uncertain significance (1 of 4 stars; one submission).

Conditions:
Developmental and epileptic encephalopathy, 7 (DEE7). Also called: KCNQ2-Related Neonatal Epileptic Encephalopathy; Early infantile epileptic encephalopathy 7; KCNQ2-Related Neonatal-Onset Developmental and Epileptic Encephalopathy (NEO-DEE). Identifiers: Orphanet 439218, MedGen C3150986, MONDO:0013387, OMIM 613720.

Submission:

Neuberg Centre For Genomic Medicine, NCGM
Classification: Uncertain significance for Developmental and epileptic encephalopathy, 7. Review status: criteria provided, single submitter. Criteria: ACMG Guidelines, 2015. Collection method: clinical testing. Allele origin: germline. Inheritance: Autosomal dominant inheritance. Affected: yes.
Comment: The inframe deletion variant c.406_408del (p.Val136del) in KCNQ2 gene has not been reported previously as a pathogenic variant nor as a benign variant, to our knowledge. The p.Val136del variant is novel in gnomAD Exomes and 1000 Genomes. This p.Val136del causes deletion of amino acid Valine at position 136. For these reasons, this variant has been classified as Uncertain Significance.

NM_172107.4(KCNQ2):c.403GTG[1] (p.Val136del)

Gene: KCNQ2 (potassium voltage-gated channel subfamily Q member 2; minus strand). Cytogenetic location: 20q13.33.
Variant type: Microsatellite.
Coding change: c.403GTG[1] on transcript NM_172107.4 (MANE Select); one copy of the 3-base unit GTG starting at c.403; the reference has two copies in a row; one copy, 3 bases deleted; also written c.406_408del.
Protein change: p.Val136del; deletes valine 136.
Molecular consequence: inframe deletion.
Genome position (GRCh38, 1-based): chr20:63,445,344-63,445,346, CAC deleted on the plus strand (GTG on the coding strand, the reverse complement: KCNQ2 is on the minus strand); deleting any 3 consecutive bases within chr20:63,445,344-63,445,349 gives the same sequence; the position shown is the placement nearest the transcript's 3' end. VCF-style (leftmost placement, unchanged base first): chr20-63445343-ACAC-A. GRCh37 (hg19) VCF-style: chr20-62076696-ACAC-A.
Other names: c.403GTG[1], p.Val136del (NM_001382235.1, NM_004518.6, NM_172106.3 and 2 more transcripts); c.406_408del (NM_172107.4); short protein forms V136del.
Identifiers: ClinVar variation 2585057 (VCV002585057.1), dbSNP rs2516512669, ClinGen allele CA2582342726.
Genomic context (GRCh38, chr20:63,445,343, plus strand): 5'-AGCCACGGTACCGGCAGCAGCAGCCTGCGGCCCAGATCCGCACGAAGTACTCCACGCCAA[ACAC>A]CACGATAGTCACGATTTCCTGCAGGGGAGGAAAGCTGAGGCCACCTTGAGGCCTGGGGGA-3'